The following is an entry in ClinVar:

NM_003944.4(SELENBP1):c.843+10G>A

Gene: SELENBP1 (selenium binding protein 1; minus strand). Cytogenetic location: 1q21.3.
Variant type: single nucleotide variant.
Coding change: c.843+10G>A on transcript NM_003944.4 (MANE Select); 10 bases into the intron after coding-DNA position 843, G replaced by A.
Molecular consequence: intron variant.
Genome position (GRCh38, 1-based): chr1:151,366,265, C>T on the plus strand (G>A on the coding strand, the complement: SELENBP1 is on the minus strand). VCF-style: chr1-151366265-C-T. GRCh37 (hg19) VCF-style: chr1-151338741-C-T.
Other names: c.657+10G>A (NM_001258288.2); c.969+10G>A (NM_001258289.2).
Identifiers: ClinVar variation 3040206 (VCV003040206.2), dbSNP rs539358067, ClinGen allele CA1090211.

ClinVar aggregate classification (germline): Likely benign (0 of 4 stars; one submission).

Conditions:
SELENBP1-related disorder. Also called: SELENBP1-related condition.

Allele frequency attached by ClinVar (database versions not stated): ExAC 0.00008; TOPMed 0.00014; gnomAD 0.00016; gnomAD exomes 0.00022.
gnomAD v4.1: 334 of 1,610,314 alleles (0.021%); highest among the groups gnomAD compares: East Asian, 0.11%; 2 homozygotes.

Submission:

PreventionGenetics, part of Exact Sciences
Classification: Likely benign for SELENBP1-related condition. Last evaluated: 2019-03-06. Review status: no assertion criteria provided. Collection method: clinical testing. Allele origin: germline.
Comment: This variant is classified as likely benign based on ACMG/AMP sequence variant interpretation guidelines (Richards et al. 2015 PMID: 25741868, with internal and published modifications).